The following is an entry in ClinVar:

ClinVar aggregate classification (germline): Benign (0 of 4 stars; one submission).

Conditions:
TNS1-related disorder. Also called: TNS1-related condition.

Allele frequency attached by ClinVar (database versions not stated): ExAC 0.00137; gnomAD 0.00336; TOPMed 0.00359; ESP Exome Variant Server 0.00461; 1000 Genomes Project 30x 0.00500; 1000 Genomes Project 0.00519.
gnomAD v4.1: 1,092 of 1,614,174 alleles (0.068%); highest among the groups gnomAD compares: African/African-American, 1.2%; 8 homozygotes.

Submission:

PreventionGenetics, part of Exact Sciences
Classification: Benign for TNS1-related condition. Last evaluated: 2019-02-18. Review status: no assertion criteria provided. Collection method: clinical testing. Allele origin: germline.
Comment: This variant is classified as benign based on ACMG/AMP sequence variant interpretation guidelines (Richards et al. 2015 PMID: 25741868, with internal and published modifications).

NM_001387777.1(TNS1):c.3659G>A (p.Arg1220His)

Gene: TNS1 (tensin 1; minus strand). Cytogenetic location: 2q35.
Variant type: single nucleotide variant.
Coding change: c.3659G>A on transcript NM_001387777.1 (MANE Select); coding-DNA position 3659, G replaced by A.
Protein change: p.Arg1220His; replaces arginine 1220 with histidine.
Molecular consequence: missense variant.
Genome position (GRCh38, 1-based): chr2:217,818,673, C>T on the plus strand (G>A on the coding strand, the complement: TNS1 is on the minus strand). VCF-style: chr2-217818673-C-T. GRCh37 (hg19) VCF-style: chr2-218683396-C-T.
Other names: c.3308G>A, p.Arg1103His (NM_001308022.2); c.3284G>A, p.Arg1095His (NM_001308023.2); c.3347G>A, p.Arg1116His (NM_022648.7); short protein forms R1095H, R1103H, R1116H, R1220H.
Identifiers: ClinVar variation 3040391 (VCV003040391.2), dbSNP rs61745431, ClinGen allele CA2099810.